The following is an entry in ClinVar:

ClinVar aggregate classification (germline): Conflicting classifications of pathogenicity. Review status: criteria provided, conflicting classifications (1 of 4 stars). 7 submissions from 6 submitters: Uncertain significance (5); Likely benign (1). 1 of the submissions does not count toward it. Last evaluated 2025-11-18.

Conditions:
Cardiovascular phenotype. Identifiers: MedGen CN230736.
Fibromatosis, gingival, 1 (GINGF1). Identifiers: Orphanet 2024, MedGen C4551558, MONDO:0007609, OMIM 135300.
Noonan syndrome 4 (NS4). Also called: NOONAN SYNDROME WITH PIGMENTED VILLONODULAR SYNOVITIS; SOS1-Related Noonan Syndrome. Identifiers: Orphanet 648, MedGen C1853120, MONDO:0012547, OMIM 610733.
Primary dilated cardiomyopathy (DCM). Also called: Dilated Cardiomyopathy. Identifiers: Orphanet 217604, MedGen C0007193, MeSH D002311, MONDO:0005021, HP:0001644. Inheritance: Various modes of inheritance.
RASopathy. Also called: Noonan spectrum disorder; rasopathies. Identifiers: Orphanet 536391, MedGen C5555857, MONDO:0021060.

Allele frequency attached by ClinVar (database versions not stated): gnomAD 0.00001 and 0.00002; gnomAD exomes 0.00001 and 0.00002; ExAC 0.00002; TOPMed 0.00002.
gnomAD v4.1: 13 of 1,613,314 alleles (0.00081%); highest among the groups gnomAD compares: Middle Eastern, 0.016%; no homozygotes.

Submissions (7):

Labcorp Genetics (formerly Invitae), Labcorp
Classification: Likely benign for RASopathy. Last evaluated: 2025-11-18. Review status: criteria provided, single submitter. Criteria: Invitae Variant Classification Sherloc (09022015). Collection method: clinical testing. Allele origin: germline.

Ambry Genetics
Classification: Uncertain significance for Cardiovascular phenotype. Last evaluated: 2024-07-10. Review status: criteria provided, single submitter. Criteria: Ambry Variant Classification Scheme 2023. Collection method: clinical testing. Allele origin: germline.
Comment: The p.I607T variant (also known as c.1820T>C), located in coding exon 10 of the SOS1 gene, results from a T to C substitution at nucleotide position 1820. The isoleucine at codon 607 is replaced by threonine, an amino acid with similar properties. This variant has been detected in a prenatal specimen with cystic hygroma, increased nuchal translucency, and congenital heart defect (Leach NT et al. Genet Med, 2019 Feb;21:417-425). This variant co-occurred with a second SOS1 variant in two members of a family with dilated cardiomyopathy; however, both variants were absent in one affected family member (Cowan JR et al. Circ Genom Precis Med, 2020 Aug;13:e002892). Functional studies suggest this variant may impact ERK expression; however, additional evidence is needed to confirm this finding (Cowan JR et al. Circ Genom Precis Med, 2020 Aug;13:e002892). This amino acid position is not well conserved in available vertebrate species. In addition, this alteration is predicted to be tolerated by in silico analysis. Based on the available evidence, the clinical significance of this variant remains unclear.

Eurofins Ntd Llc (ga)
Classification: Uncertain significance. Last evaluated: 2016-09-09. Review status: criteria provided, single submitter. Criteria: EGL Classification Definitions 2015. Collection method: clinical testing. Allele origin: germline. Observed: 1 variant allele, 1 heterozygote.

Women's Health and Genetics/Laboratory Corporation of America, LabCorp
Classification: Uncertain significance. Last evaluated: 2016-05-23. Review status: criteria provided, single submitter. Criteria: LabCorp Variant Classification Summary - May 2015. Collection method: clinical testing. Allele origin: germline.
Comment: Variant summary: The SOS1 c.1820T>C (p.Ile607Thr) variant causes a missense change involving a highly conserved nucleotide with 2/4 in silico tools (SNPs&GO not captured due to low reliability index) predicting a benign outcome, although these predictions have yet to be functionally assessed. This variant was observed in the large, broad control population, ExAC, with an allele frequency of 2/120916 (1/60458, frequency: 0.0000165), which does not exceed the estimated maximal expected allele frequency for a pathogenic SOS1 variant of 1/33333(0.00003) but does not rule out a possibility for it to be a rare functional polymorphism. The fact that c.1820T>C co-occurred with a known pathogenic variant in PTPN1 gene suggest a non-contributory role of the variant of interest. The variant of interest has not, to our knowledge, been reported in affected individuals via publications and/or reputable databases/clinical diagnostic laboratories. Due to the absence of clinical information and lack of functional studies, the variant has been classified as a "Variant of Uncertain Significance (VUS)," until additional information becomes available.

Genome-Nilou Lab
Classification: Uncertain significance for Noonan syndrome 4. Review status: criteria provided, single submitter. Criteria: ACMG Guidelines, 2015. Collection method: clinical testing. Allele origin: germline.

Genome-Nilou Lab
Classification: Uncertain significance for Fibromatosis, gingival, 1. Review status: criteria provided, single submitter. Criteria: ACMG Guidelines, 2015. Collection method: clinical testing. Allele origin: germline.

University of Washington Center for Mendelian Genomics, University of Washington
Classification: Uncertain significance for dilated cardiomyopathy. Review status: no assertion criteria provided. Collection method: research. Allele origin: inherited. Affected: yes. Not counted in ClinVar's aggregate classification.

Literature cited by the submitters: PubMed 29907801 (cited by Ambry Genetics); PubMed 32603605 (cited by Ambry Genetics and University of Washington Center for Mendelian Genomics, University of Washington).

NM_005633.4(SOS1):c.1820T>C (p.Ile607Thr)

Gene: SOS1 (SOS Ras/Rac guanine nucleotide exchange factor 1; minus strand). Cytogenetic location: 2p22.1.
Variant type: single nucleotide variant.
Coding change: c.1820T>C on transcript NM_005633.4 (MANE Select); coding-DNA position 1820, T replaced by C.
Protein change: p.Ile607Thr; replaces isoleucine 607 with threonine.
Molecular consequence: missense variant.
Genome position (GRCh38, 1-based): chr2:39,022,608, A>G on the plus strand (T>C on the coding strand, the complement: SOS1 is on the minus strand). VCF-style: chr2-39022608-A-G. GRCh37 (hg19) VCF-style: chr2-39249749-A-G.
Other names: c.1799T>C, p.Ile600Thr (NM_001382394.1); c.1820T>C, p.Ile607Thr (NM_001382395.1); short protein forms I607T, I600T.
Identifiers: ClinVar variation 290127 (VCV000290127.17), dbSNP rs758699499, ClinGen allele CA1624546.
Genomic context (GRCh38, chr2:39,022,608, plus strand): 5'-CAGGCAACTGCATAATTCTTACCTGCGTACATATGGTACGTAAGCCTCTCTATAAGTTTA[A>G]TAACAGTTCCTGCTTTGATAATTGGAATTCCAGCCTTGGGCTGCATGTTCTCTTCAAATA-3'
Protein context (NP_005624.2, residues 597-617): GIPIIKAGTV[Ile607Thr]KLIERLTYHM